The following is an entry in ClinVar:

NM_002599.5(PDE2A):c.2182-4C>G

Gene: PDE2A (phosphodiesterase 2A; minus strand). Cytogenetic location: 11q13.4.
Variant type: single nucleotide variant.
Coding change: c.2182-4C>G on transcript NM_002599.5 (MANE Select); 4 bases into the intron before coding-DNA position 2182, C replaced by G.
Molecular consequence: intron variant.
Genome position (GRCh38, 1-based): chr11:72,579,612, G>C on the plus strand (C>G on the coding strand, the complement: PDE2A is on the minus strand). VCF-style: chr11-72579612-G-C. GRCh37 (hg19) VCF-style: chr11-72290656-G-C.
Other names: c.2155-4C>G (NM_001146209.3); c.2161-4C>G (NM_001143839.4); c.2119-4C>G (NM_001243784.2).
Identifiers: ClinVar variation 2176745 (VCV002176745.25), dbSNP rs192509310, ClinGen allele CA6171920.
Genomic context (GRCh38, chr11:72,579,612, plus strand): 5'-AAAGATGTTGCAGCCGTGGGTGTTGAGGATGGCGATGGCCTGAGCAAAGTGGTGCCTCTG[G>C]GGGGAGAGGAGTGATGGGGGCCCAGCTGGGGCAGATGGGCTCCCTTACCATTGACCCCAA-3'

ClinVar aggregate classification (germline): Conflicting classifications of pathogenicity. Review status: criteria provided, conflicting classifications (1 of 4 stars). 2 submissions from 2 submitters: Uncertain significance (1); Likely benign (1). Last evaluated 2024-03-01.

Allele frequency attached by ClinVar (database versions not stated): ESP Exome Variant Server 0.00008; 1000 Genomes Project 0.00020; 1000 Genomes Project 30x 0.00031.
gnomAD v4.1: 131 of 1,610,050 alleles (0.0081%); highest among the groups gnomAD compares: Admixed American, 0.015%; 1 homozygote.

Submissions (2):

CeGaT Center for Human Genetics Tuebingen
Classification: Uncertain significance. Last evaluated: 2024-03-01. Review status: criteria provided, single submitter. Criteria: CeGaT Center For Human Genetics Tuebingen Variant Classification Criteria Version 2. Collection method: clinical testing. Allele origin: germline. Affected: yes. Observed: 1 variant allele.
Comment: PDE2A: PM2, BP4

Labcorp Genetics (formerly Invitae), Labcorp
Classification: Likely benign. Last evaluated: 2022-10-29. Review status: criteria provided, single submitter. Criteria: Invitae Variant Classification Sherloc (09022015). Collection method: clinical testing. Allele origin: germline.